The following is an entry in ClinVar:

NM_170606.3(KMT2C):c.3537G>C (p.Leu1179Phe)

Gene: KMT2C (lysine methyltransferase 2C; minus strand). Cytogenetic location: 7q36.1.
Variant type: single nucleotide variant.
Coding change: c.3537G>C on transcript NM_170606.3 (MANE Select); coding-DNA position 3537, G replaced by C.
Protein change: p.Leu1179Phe; replaces leucine 1179 with phenylalanine.
Molecular consequence: missense variant.
Genome position (GRCh38, 1-based): chr7:152,220,698, C>G on the plus strand (G>C on the coding strand, the complement: KMT2C is on the minus strand). VCF-style: chr7-152220698-C-G. GRCh37 (hg19) VCF-style: chr7-151917783-C-G.
Other names: short protein forms L1179F.
Identifiers: ClinVar variation 4292979 (VCV004292979.1).

ClinVar aggregate classification (germline): Uncertain significance (1 of 4 stars; one submission).

Conditions:
Kleefstra syndrome 2 (KLEFS2). Identifiers: MedGen C4540395, MONDO:0054701, OMIM 617768.

Submission:

3billion
Classification: Uncertain significance for Kleefstra syndrome 2. Last evaluated: 2025-01-22. Review status: criteria provided, single submitter. Criteria: ACMG Guidelines, 2015. Collection method: clinical testing. Allele origin: germline. Affected: yes.
Comment: The variant is not observed in the gnomAD v4.1.0 dataset. Predicted Consequence/Location: Missense variant. The majority of the known disease-causing variants of this gene are variants expected to result in premature termination of the protein. In silico tool predictions suggest damaging effect of the variant on gene or gene product [REVEL: 0.63 (>=0.6, sensitivity 0.68 and specificity 0.92); 3Cnet: 0.73 (>=0.6, sensitivity 0.72 and precision 0.9)]. Therefore, this variant is classified as VUS according to the recommendation of ACMG/AMP guideline.